The following is an entry in ClinVar:

ClinVar aggregate classification (germline): Uncertain significance (1 of 4 stars; one submission).

Conditions:
Cardiovascular phenotype. Identifiers: MedGen CN230736.

gnomAD v4.1: 1 of 1,546,782 alleles (0.000065%); highest among the groups gnomAD compares: Non-Finnish European, 0.000087%; no homozygotes.

Submission:

Ambry Genetics
Classification: Uncertain significance for Cardiovascular phenotype. Last evaluated: 2024-05-17. Review status: criteria provided, single submitter. Criteria: Ambry Variant Classification Scheme 2023. Collection method: clinical testing. Allele origin: germline.
Comment: The p.C1163R variant (also known as c.3487T>C), located in coding exon 2 of the ZNF469 gene, results from a T to C substitution at nucleotide position 3487. The cysteine at codon 1163 is replaced by arginine, an amino acid with highly dissimilar properties. This amino acid position is conserved. In addition, this alteration is predicted to be tolerated by in silico analysis. Based on the available evidence, the clinical significance of this variant remains unclear.

NM_001367624.2(ZNF469):c.3571T>C (p.Cys1191Arg)

Gene: ZNF469 (zinc finger protein 469; plus strand). Cytogenetic location: 16q24.2.
Variant type: single nucleotide variant.
Coding change: c.3571T>C on transcript NM_001367624.2 (MANE Select); coding-DNA position 3571, T replaced by C.
Protein change: p.Cys1191Arg; replaces cysteine 1191 with arginine.
Molecular consequence: missense variant.
Genome position (GRCh38, 1-based): chr16:88,431,041, T>C. VCF-style: chr16-88431041-T-C. GRCh37 (hg19) VCF-style: chr16-88497449-T-C.
Other names: NM_001127464.1:c.3487T>C; short protein forms C1191R.
Identifiers: ClinVar variation 3258266 (VCV003258266.1).